The following is an entry in ClinVar:

NM_002454.3(MTRR):c.-26+8G>C

Genes: MTRR (5-methyltetrahydrofolate-homocysteine methyltransferase reductase; plus strand), LOC129993631 (ATAC-STARR-seq lymphoblastoid silent region 15904; plus strand). Cytogenetic location: 5p15.31.
Variant type: single nucleotide variant.
Coding change: c.-26+8G>C on transcript NM_002454.3 (MANE Select); 8 bases into the intron after 26 bases upstream of the start codon, G replaced by C.
Molecular consequence: intron variant. On other transcripts: 5 prime UTR variant (3).
Genome position (GRCh38, 1-based): chr5:7,869,223, G>C. VCF-style: chr5-7869223-G-C. GRCh37 (hg19) VCF-style: chr5-7869336-G-C.
Other names: c.-859G>C (NM_001364440.2); c.-521G>C (NM_001364441.2); c.-101G>C (NM_001364442.2); c.-26+34G>C (NM_024010.4).
Identifiers: ClinVar variation 507091 (VCV000507091.1), dbSNP rs374795934, ClinGen allele CA3195422.

ClinVar aggregate classification (germline): Likely benign (1 of 4 stars; one submission).

Allele frequency attached by ClinVar (database versions not stated): TOPMed 0.00004; ESP Exome Variant Server 0.00015.
gnomAD v4.1: 103 of 1,604,848 alleles (0.0064%); highest among the groups gnomAD compares: Non-Finnish European, 0.0076%; no homozygotes.

Submission:

GeneDx
Classification: Likely benign. Last evaluated: 2017-02-01. Review status: criteria provided, single submitter. Criteria: GeneDx Variant Classification (06012015). Collection method: clinical testing. Allele origin: germline. Affected: yes.
Comment: This variant is considered likely benign or benign based on one or more of the following criteria: it is a conservative change, it occurs at a poorly conserved position in the protein, it is predicted to be benign by multiple in silico algorithms, and/or has population frequency not consistent with disease.